The following is an entry in ClinVar:

NM_020533.3(MCOLN1):c.771C>A (p.Ser257Arg)

Gene: MCOLN1 (mucolipin TRP cation channel 1; plus strand). Cytogenetic location: 19p13.2.
Variant type: single nucleotide variant.
Coding change: c.771C>A on transcript NM_020533.3 (MANE Select); coding-DNA position 771, C replaced by A.
Protein change: p.Ser257Arg; replaces serine 257 with arginine.
Molecular consequence: missense variant.
Genome position (GRCh38, 1-based): chr19:7,527,954, C>A. VCF-style: chr19-7527954-C-A. GRCh37 (hg19) VCF-style: chr19-7592840-C-A.
Other names: p.Ser257Arg; short protein forms S257R.
Identifiers: ClinVar variation 330493 (VCV000330493.19), dbSNP rs113261161, ClinGen allele CA9138890.

ClinVar aggregate classification (germline): Benign. Review status: criteria provided, multiple submitters, no conflicts (2 of 4 stars). 6 submissions from 6 submitters: Benign (5). 1 of the submissions does not count toward it. Last evaluated 2026-02-04.

Conditions:
Mucolipidosis type IV (ML4). Also called: ML IV. Identifiers: Orphanet 578, MedGen C0238286, MONDO:0009653, OMIM 252650.

Allele frequency attached by ClinVar (database versions not stated): TOPMed 0.00815; 1000 Genomes Project 0.00879; 1000 Genomes Project 30x 0.00953; ESP Exome Variant Server 0.01007.
gnomAD v4.1: 2,152 of 1,613,390 alleles (0.13%); highest among the groups gnomAD compares: African/African-American, 2.6%; 24 homozygotes.

Submissions (6):

Labcorp Genetics (formerly Invitae), Labcorp
Classification: Benign for Mucolipidosis type IV. Last evaluated: 2026-02-04. Review status: criteria provided, single submitter. Criteria: Invitae Variant Classification Sherloc (09022015). Collection method: clinical testing. Allele origin: germline.

Mayo Clinic Laboratories, Mayo Clinic
Classification: Benign. Last evaluated: 2025-03-31. Review status: criteria provided, single submitter. Criteria: ACMG Guidelines, 2015. Collection method: clinical testing. Allele origin: germline. Observed: 1 variant allele.
Comment: BA1, BP4

GeneDx
Classification: Benign. Last evaluated: 2021-05-12. Review status: criteria provided, single submitter. Criteria: GeneDx Variant Classification Process June 2021. Collection method: clinical testing. Allele origin: germline. Affected: yes.

Illumina Laboratory Services, Illumina
Classification: Benign for Mucolipidosis type IV. Last evaluated: 2018-01-13. Review status: criteria provided, single submitter. Criteria: ICSL Variant Classification Criteria 13 December 2019. Collection method: clinical testing. Allele origin: germline.
Comment: This variant was observed in the ICSL laboratory as part of a predisposition screen in an ostensibly healthy population. It had not been previously curated by ICSL or reported in the Human Gene Mutation Database (HGMD: prior to June 1st, 2018), and was therefore a candidate for classification through an automated scoring system. Utilizing variant allele frequency, disease prevalence and penetrance estimates, and inheritance mode, an automated score was calculated to assess if this variant is too frequent to cause the disease. Based on the score and internal cut-off values, a variant classified as benign is not then subjected to further curation. The score for this variant resulted in a classification of benign for this disease.

Breakthrough Genomics
Classification: Benign. Review status: criteria provided, single submitter. Criteria: ACMG Guidelines, 2015. Collection method: not provided. Allele origin: germline. Inheritance: Autosomal recessive inheritance. Affected: yes.

Natera, Inc.
Classification: Benign for Mucolipidosis type IV. Last evaluated: 2020-01-03. Review status: no assertion criteria provided. Collection method: clinical testing. Allele origin: germline. Not counted in ClinVar's aggregate classification.